The following is an entry in ClinVar:

ClinVar aggregate classification (germline): Uncertain significance (1 of 4 stars; one submission).

Conditions:
PHIP-related disorder. Also called: PHIP-related disorders; PHIP-related condition.

gnomAD v4.1: 4 of 1,552,928 alleles (0.00026%); highest among the groups gnomAD compares: African/African-American, 0.0043%; no homozygotes.

Submission:

PreventionGenetics, part of Exact Sciences
Classification: Uncertain significance for PHIP-related condition. Last evaluated: 2026-06-25. Review status: criteria provided, single submitter. Criteria: ACMG Guidelines, 2015. Collection method: clinical testing. Allele origin: germline.
Comment: The PHIP c.137C>T variant is predicted to result in the amino acid substitution p.Pro46Leu. To our knowledge, this variant has not been reported in the literature. This variant is reported in 0.017% of alleles in individuals of African descent in gnomAD. Although we suspect that this variant could be benign, at this time, the clinical significance of this variant is uncertain due to the absence of conclusive functional and genetic evidence.

NM_017934.7(PHIP):c.137C>T (p.Pro46Leu)

Gene: PHIP (PHIP subunit of CUL4-Ring ligase complex; minus strand). Cytogenetic location: 6q14.1.
Variant type: single nucleotide variant.
Coding change: c.137C>T on transcript NM_017934.7 (MANE Select); coding-DNA position 137, C replaced by T.
Protein change: p.Pro46Leu; replaces proline 46 with leucine.
Molecular consequence: missense variant.
Genome position (GRCh38, 1-based): chr6:79,077,500, G>A on the plus strand (C>T on the coding strand, the complement: PHIP is on the minus strand). VCF-style: chr6-79077500-G-A. GRCh37 (hg19) VCF-style: chr6-79787217-G-A.
Other names: short protein forms P46L.
Identifiers: ClinVar variation 3351889 (VCV003351889.2).